The following is an entry in ClinVar:

NM_024496.4(IRF2BPL):c.6G>C (p.Ser2=)

Genes: IRF2BPL (interferon regulatory factor 2 binding protein like; minus strand), LOC107984638 (uncharacterized LOC107984638; plus strand). Cytogenetic location: 14q24.3.
Variant type: single nucleotide variant.
Coding change: c.6G>C on transcript NM_024496.4 (MANE Select); coding-DNA position 6, G replaced by C.
Protein change: p.Ser2=; no amino-acid change (serine 2 retained).
Molecular consequence: synonymous variant.
Genome position (GRCh38, 1-based): chr14:77,027,787, C>G on the plus strand (G>C on the coding strand, the complement: IRF2BPL is on the minus strand). VCF-style: chr14-77027787-C-G. GRCh37 (hg19) VCF-style: chr14-77494130-C-G.
Other names: c.6G>C (NM_024496.3).
Identifiers: ClinVar variation 2644424 (VCV002644424.26), dbSNP rs145125439, ClinGen allele CA7284126.

ClinVar aggregate classification (germline): Likely benign. Review status: criteria provided, multiple submitters, no conflicts (2 of 4 stars). 3 submissions from 3 submitters: Likely benign (2). 1 of the submissions does not count toward it. Last evaluated 2026-08-01.

Conditions:
IRF2BPL-related disorder. Also called: IRF2BPL-related condition. Identifiers: MedGen CN381093.

Allele frequency attached by ClinVar (database versions not stated): 1000 Genomes Project 0.00060; 1000 Genomes Project 30x 0.00062; ESP Exome Variant Server 0.00077; ExAC 0.00088.
gnomAD v4.1: 1,614 of 1,572,376 alleles (0.1%); highest among the groups gnomAD compares: Admixed American, 0.27%; 2 homozygotes.

Submissions (3):

CeGaT Center for Human Genetics Tuebingen
Classification: Likely benign. Last evaluated: 2026-08-01. Review status: criteria provided, single submitter. Criteria: CeGaT Center For Human Genetics Tuebingen Variant Classification Criteria Version 2. Collection method: clinical testing. Allele origin: germline. Affected: yes. Observed: 9 variant alleles.
Comment: IRF2BPL: BP4, BP7, BS1

Blueprint Genetics
Classification: Likely benign. Last evaluated: 2024-10-07. Review status: criteria provided, single submitter. Criteria: ACMG Guidelines, 2015. Collection method: clinical testing. Allele origin: germline.

PreventionGenetics, part of Exact Sciences
Classification: Likely benign for IRF2BPL-related condition. Last evaluated: 2019-11-26. Review status: no assertion criteria provided. Collection method: clinical testing. Allele origin: germline. Not counted in ClinVar's aggregate classification.
Comment: This variant is classified as likely benign based on ACMG/AMP sequence variant interpretation guidelines (Richards et al. 2015 PMID: 25741868, with internal and published modifications).